The following is an entry in ClinVar:

ClinVar aggregate classification (germline): Uncertain significance (1 of 4 stars; one submission).

Conditions:
Megaconial type congenital muscular dystrophy (MDCMC). Also called: CHKB-Related Muscle Diseases; CHKB-Related Muscular Dystrophy; MUSCULAR DYSTROPHY, CONGENITAL, WITH MITOCHONDRIAL STRUCTURAL ABNORMALITIES. Identifiers: Orphanet 280671, MedGen C1865233, MONDO:0011246, OMIM 602541.

Allele frequency attached by ClinVar (database versions not stated): gnomAD exomes below 0.00001; ExAC 0.00001.

Submission:

Labcorp Genetics (formerly Invitae), Labcorp
Classification: Uncertain significance for Megaconial type congenital muscular dystrophy. Last evaluated: 2022-07-15. Review status: criteria provided, single submitter. Criteria: Invitae Variant Classification Sherloc (09022015). Collection method: clinical testing. Allele origin: germline.
Comment: This sequence change replaces alanine, which is neutral and non-polar, with valine, which is neutral and non-polar, at codon 45 of the CHKB protein (p.Ala45Val). This variant is present in population databases (rs755650815, gnomAD 0.001%). This variant has not been reported in the literature in individuals affected with CHKB-related conditions. Algorithms developed to predict the effect of missense changes on protein structure and function (SIFT, PolyPhen-2, Align-GVGD) all suggest that this variant is likely to be tolerated. In summary, the available evidence is currently insufficient to determine the role of this variant in disease. Therefore, it has been classified as a Variant of Uncertain Significance.

NM_005198.5(CHKB):c.134C>T (p.Ala45Val)

Genes: CHKB (choline kinase beta; minus strand), CHKB-CPT1B (CHKB-CPT1B readthrough (NMD candidate); minus strand). Cytogenetic location: 22q13.33.
Variant type: single nucleotide variant.
Coding change: c.134C>T on transcript NM_005198.5 (MANE Select); coding-DNA position 134, C replaced by T.
Protein change: p.Ala45Val; replaces alanine 45 with valine.
Molecular consequence: missense variant. On other transcripts: non-coding transcript variant (1).
Genome position (GRCh38, 1-based): chr22:50,582,648, G>A on the plus strand (C>T on the coding strand, the complement: CHKB is on the minus strand). VCF-style: chr22-50582648-G-A. GRCh37 (hg19) VCF-style: chr22-51021077-G-A.
Other names: short protein forms A45V.
Identifiers: ClinVar variation 1943134 (VCV001943134.5), dbSNP rs755650815, ClinGen allele CA10323903.